The following is an entry in ClinVar:

NM_017780.4(CHD7):c.3751T>A (p.Cys1251Ser)

Gene: CHD7 (chromodomain helicase DNA binding protein 7; plus strand). Cytogenetic location: 8q12.2.
Variant type: single nucleotide variant.
Coding change: c.3751T>A on transcript NM_017780.4 (MANE Select); coding-DNA position 3751, T replaced by A.
Protein change: p.Cys1251Ser; replaces cysteine 1251 with serine.
Molecular consequence: missense variant. On other transcripts: intron variant (1).
Genome position (GRCh38, 1-based): chr8:60,830,550, T>A. VCF-style: chr8-60830550-T-A. GRCh37 (hg19) VCF-style: chr8-61743109-T-A.
Other names: c.1717-31679T>A (NM_001316690.1); short protein forms C1251S.
Identifiers: ClinVar variation 4881437 (VCV004881437.2).

ClinVar aggregate classification (germline): Uncertain significance (1 of 4 stars; one submission).

Submission:

Dasa
Classification: Uncertain significance. Last evaluated: 2025-08-01. Review status: criteria provided, single submitter. Criteria: DASA Assertion Criteria. Collection method: clinical testing. Allele origin: germline.
Comment: NM_017780.4(CHD7):c.3751T>A (p.Cys1251Ser) is a missense variant that results in the substitution of cysteine with serine. This variant is absent from population databases. Computational prediction algorithms are consistent with a deleterious effect. The currently available literature and clinical evidence are not sufficient to establish a definitive association between this variant and the reported condition. Therefore, this variant is classified as a variant of uncertain significance.